The following is an entry in ClinVar:

ClinVar aggregate classification (germline): Uncertain significance (1 of 4 stars; one submission).

Submission:

GeneDx
Classification: Uncertain significance. Last evaluated: 2025-07-25. Review status: criteria provided, single submitter. Criteria: GeneDx Variant Classification Process June 2021. Collection method: clinical testing. Allele origin: germline. Affected: yes.
Comment: Not observed at significant frequency in large population cohorts (gnomAD); In silico analysis supports that this missense variant has a deleterious effect on protein structure/function; Has not been previously published as pathogenic or benign to our knowledge

NM_001013838.3(CARMIL2):c.1682G>T (p.Arg561Leu)

Gene: CARMIL2 (capping protein regulator and myosin 1 linker 2; plus strand). Cytogenetic location: 16q22.1.
Variant type: single nucleotide variant.
Coding change: c.1682G>T on transcript NM_001013838.3 (MANE Select); coding-DNA position 1682, G replaced by T.
Protein change: p.Arg561Leu; replaces arginine 561 with leucine.
Molecular consequence: missense variant.
Genome position (GRCh38, 1-based): chr16:67,649,166, G>T. VCF-style: chr16-67649166-G-T. GRCh37 (hg19) VCF-style: chr16-67683069-G-T.
Other names: c.1574G>T, p.Arg525Leu (NM_001317026.3, NM_001438244.1, NM_001438835.1); short protein forms R525L, R561L.
Identifiers: ClinVar variation 4687078 (VCV004687078.1).
Genomic context (GRCh38, chr16:67,649,166, plus strand): 5'-TGGCCATCGGGAGAAGCCGGTCCCTGAGACATGTGGCGCTTGGAAGGAACTTCAACGTCC[G>T]GTGCAAGTGAGCCCCCACCCTACTCCTGGGCCTCCCAGACAACACCCCACCACCCCTGTC-3'
Protein context (NP_001013860.1, residues 551-571): HVALGRNFNV[Arg561Leu]CKETLDDVLH